The following is an entry in ClinVar:

NM_000298.6(PKLR):c.1303C>T (p.Arg435Trp)

Gene: PKLR (pyruvate kinase L/R; minus strand). Cytogenetic location: 1q22.
Variant type: single nucleotide variant.
Coding change: c.1303C>T on transcript NM_000298.6 (MANE Select); coding-DNA position 1303, C replaced by T.
Protein change: p.Arg435Trp; replaces arginine 435 with tryptophan.
Molecular consequence: missense variant.
Genome position (GRCh38, 1-based): chr1:155,293,310, G>A on the plus strand (C>T on the coding strand, the complement: PKLR is on the minus strand). VCF-style: chr1-155293310-G-A. GRCh37 (hg19) VCF-style: chr1-155263101-G-A.
Other names: p.Arg435Trp; c.1210C>T, p.Arg404Trp (NM_181871.4); short protein forms R435W, R404W.
Identifiers: ClinVar variation 873617 (VCV000873617.5), dbSNP rs142238268, ClinGen allele CA1144040.

ClinVar aggregate classification (germline): Uncertain significance. Review status: criteria provided, multiple submitters, no conflicts (2 of 4 stars). 2 submissions from 2 submitters: Uncertain significance (2). Last evaluated 2023-05-26.

Conditions:
Pyruvate kinase deficiency of red cells (CNSHA2). Also called: PK DEFICIENCY; PYRUVATE KINASE DEFICIENCY OF ERYTHROCYTE; Pyruvate kinase deficiency, Amish type. Identifiers: Orphanet 766, MedGen C0340968, MONDO:0009950, OMIM 266200.

Allele frequency attached by ClinVar (database versions not stated): ExAC 0.00002; gnomAD 0.00003; TOPMed 0.00003; ESP Exome Variant Server 0.00008.
gnomAD v4.1: 36 of 1,614,124 alleles (0.0022%); highest among the groups gnomAD compares: East Asian, 0.0045%; no homozygotes.

Submissions (2):

Mayo Clinic Laboratories, Mayo Clinic
Classification: Uncertain significance. Last evaluated: 2023-05-26. Review status: criteria provided, single submitter. Criteria: ACMG Guidelines, 2015. Collection method: clinical testing. Allele origin: germline. Observed: 2 variant alleles.
Comment: PP3, PM2

Illumina Laboratory Services, Illumina
Classification: Uncertain significance for Pyruvate kinase deficiency of red cells. Last evaluated: 2018-03-02. Review status: criteria provided, single submitter. Criteria: ICSL Variant Classification Criteria 13 December 2019. Collection method: clinical testing. Allele origin: germline.